The following is an entry in ClinVar:

ClinVar aggregate classification (germline): Uncertain significance. Review status: criteria provided, multiple submitters, no conflicts (2 of 4 stars). 2 submissions from 2 submitters: Uncertain significance (2). Last evaluated 2024-12-19.

Conditions:
Hereditary cancer-predisposing syndrome. Also called: Hereditary neoplastic syndrome; Tumor predisposition; Hereditary Cancer Syndrome; Neoplastic Syndromes, Hereditary. Identifiers: Orphanet 140162, MedGen C0027672, MeSH D009386, MONDO:0015356.
Gorlin syndrome. Also called: Nevoid Basal Cell Carcinoma Syndrome; Basal cell nevus syndrome. Identifiers: Orphanet 377, MedGen C0004779, MONDO:0007187.

Allele frequency attached by ClinVar (database versions not stated): gnomAD exomes below 0.00001.
gnomAD v4.1: 4 of 1,614,074 alleles (0.00025%); highest among the groups gnomAD compares: Non-Finnish European, 0.00034%; no homozygotes.

Submissions (2):

Ambry Genetics
Classification: Uncertain significance for Hereditary cancer-predisposing syndrome. Last evaluated: 2024-12-19. Review status: criteria provided, single submitter. Criteria: Ambry Variant Classification Scheme 2023. Collection method: clinical testing. Allele origin: germline.
Comment: The p.P1082H variant (also known as c.3245C>A), located in coding exon 19 of the PTCH1 gene, results from a C to A substitution at nucleotide position 3245. The proline at codon 1082 is replaced by histidine, an amino acid with similar properties. This amino acid position is highly conserved in available vertebrate species. In addition, this alteration is predicted to be deleterious by in silico analysis. Based on the available evidence, the clinical significance of this variant remains unclear.

Labcorp Genetics (formerly Invitae), Labcorp
Classification: Uncertain significance for Gorlin syndrome. Last evaluated: 2023-07-19. Review status: criteria provided, single submitter. Criteria: Invitae Variant Classification Sherloc (09022015). Collection method: clinical testing. Allele origin: germline.
Comment: In summary, the available evidence is currently insufficient to determine the role of this variant in disease. Therefore, it has been classified as a Variant of Uncertain Significance. Advanced modeling of protein sequence and biophysical properties (such as structural, functional, and spatial information, amino acid conservation, physicochemical variation, residue mobility, and thermodynamic stability) has been performed at Invitae for this missense variant, however the output from this modeling did not meet the statistical confidence thresholds required to predict the impact of this variant on PTCH1 protein function. ClinVar contains an entry for this variant (Variation ID: 1427032). This variant has not been reported in the literature in individuals affected with PTCH1-related conditions. This variant is not present in population databases (gnomAD no frequency). This sequence change replaces proline, which is neutral and non-polar, with histidine, which is basic and polar, at codon 1082 of the PTCH1 protein (p.Pro1082His).

NM_000264.5(PTCH1):c.3245C>A (p.Pro1082His)

Gene: PTCH1 (patched 1; minus strand). Cytogenetic location: 9q22.32.
Variant type: single nucleotide variant.
Coding change: c.3245C>A on transcript NM_000264.5 (MANE Select); coding-DNA position 3245, C replaced by A.
Protein change: p.Pro1082His; replaces proline 1082 with histidine.
Molecular consequence: missense variant. On other transcripts: non-coding transcript variant (1).
Genome position (GRCh38, 1-based): chr9:95,456,337, G>T on the plus strand (C>A on the coding strand, the complement: PTCH1 is on the minus strand). VCF-style: chr9-95456337-G-T. GRCh37 (hg19) VCF-style: chr9-98218619-G-T.
Other names: c.3047C>A, p.Pro1016His (NM_001083602.3); c.3242C>A, p.Pro1081His (NM_001083603.3); c.2792C>A, p.Pro931His (NM_001083604.3, NM_001083605.3, NM_001083606.3 and 1 more transcripts); c.3089C>A, p.Pro1030His (NM_001354918.2); short protein forms P1016H, P1030H, P931H, P1082H, P1081H.
Identifiers: ClinVar variation 1427032 (VCV001427032.11), dbSNP rs2136648648, ClinGen allele CA374112074.